The following is an entry in ClinVar:

NM_001082971.2(DDC):c.1412C>T (p.Ala471Val)

Gene: DDC (dopa decarboxylase; minus strand). Cytogenetic location: 7p12.2.
Variant type: single nucleotide variant.
Coding change: c.1412C>T on transcript NM_001082971.2 (MANE Select); coding-DNA position 1412, C replaced by T.
Protein change: p.Ala471Val; replaces alanine 471 with valine.
Molecular consequence: missense variant.
Genome position (GRCh38, 1-based): chr7:50,463,262, G>A on the plus strand (C>T on the coding strand, the complement: DDC is on the minus strand). VCF-style: chr7-50463262-G-A. GRCh37 (hg19) VCF-style: chr7-50530960-G-A.
Other names: c.1412C>T, p.Ala471Val (NM_000790.4); c.1298C>T, p.Ala433Val (NM_001242886.2); c.1268C>T, p.Ala423Val (NM_001242887.2); c.1178C>T, p.Ala393Val (NM_001242888.2); c.1133C>T, p.Ala378Val (NM_001242889.2); short protein forms A378V, A393V, A423V, A433V, A471V.
Identifiers: ClinVar variation 1009394 (VCV001009394.6), dbSNP rs752911552, ClinGen allele CA4261973.

ClinVar aggregate classification (germline): Uncertain significance (1 of 4 stars; one submission).

Conditions:
Deficiency of aromatic-L-amino-acid decarboxylase. Also called: DDC DEFICIENCY; DOPA DECARBOXYLASE DEFICIENCY; AADC DEFICIENCY; Aromatic amino acid decarboxylase deficiency; Aromatic L-Amino Acid Decarboxylase Deficiency. Identifiers: Orphanet 35708, MedGen C1291564, MONDO:0012084, OMIM 608643.

Allele frequency attached by ClinVar (database versions not stated): ExAC 0.00003; gnomAD 0.00005 and 0.00006; gnomAD exomes 0.00006; TOPMed 0.00014.
gnomAD v4.1: 36 of 1,613,846 alleles (0.0022%); highest among the groups gnomAD compares: Admixed American, 0.032%; no homozygotes.

Submission:

Labcorp Genetics (formerly Invitae), Labcorp
Classification: Uncertain significance for Deficiency of aromatic-L-amino-acid decarboxylase. Last evaluated: 2025-01-27. Review status: criteria provided, single submitter. Criteria: Invitae Variant Classification Sherloc (09022015). Collection method: clinical testing. Allele origin: germline.
Comment: This sequence change replaces alanine, which is neutral and non-polar, with valine, which is neutral and non-polar, at codon 471 of the DDC protein (p.Ala471Val). This variant is present in population databases (rs752911552, gnomAD 0.04%). This variant has not been reported in the literature in individuals affected with DDC-related conditions. ClinVar contains an entry for this variant (Variation ID: 1009394). Invitae Evidence Modeling of protein sequence and biophysical properties (such as structural, functional, and spatial information, amino acid conservation, physicochemical variation, residue mobility, and thermodynamic stability) indicates that this missense variant is not expected to disrupt DDC protein function with a negative predictive value of 80%. In summary, the available evidence is currently insufficient to determine the role of this variant in disease. Therefore, it has been classified as a Variant of Uncertain Significance.